The following is an entry in ClinVar:

ClinVar aggregate classification (germline): Uncertain significance (1 of 4 stars; one submission).

Conditions:
Jeune thoracic dystrophy. Also called: Jeune syndrome; Infantile thoracic dystrophy; Thoracic pelvic phalangeal dystrophy; Jeune's syndrome; Chondroectodermal dysplasia-like syndrome; Short-rib thoracic dysplasia. Identifiers: Orphanet 474, MedGen C0265275, MONDO:0018770.

Submission:

Labcorp Genetics (formerly Invitae), Labcorp
Classification: Uncertain significance for Jeune thoracic dystrophy. Last evaluated: 2022-11-08. Review status: criteria provided, single submitter. Criteria: Invitae Variant Classification Sherloc (09022015). Collection method: clinical testing. Allele origin: germline.
Comment: In summary, the available evidence is currently insufficient to determine the role of this variant in disease. Therefore, it has been classified as a Variant of Uncertain Significance. Advanced modeling of protein sequence and biophysical properties (such as structural, functional, and spatial information, amino acid conservation, physicochemical variation, residue mobility, and thermodynamic stability) performed at Invitae indicates that this missense variant is not expected to disrupt DYNC2H1 protein function. This variant has not been reported in the literature in individuals affected with DYNC2H1-related conditions. This variant is not present in population databases (gnomAD no frequency). This sequence change replaces isoleucine, which is neutral and non-polar, with valine, which is neutral and non-polar, at codon 356 of the DYNC2H1 protein (p.Ile356Val).

NM_001377.3(DYNC2H1):c.1066A>G (p.Ile356Val)

Gene: DYNC2H1 (dynein cytoplasmic 2 heavy chain 1; plus strand). Cytogenetic location: 11q22.3.
Variant type: single nucleotide variant.
Coding change: c.1066A>G on transcript NM_001377.3 (MANE Select); coding-DNA position 1066, A replaced by G.
Protein change: p.Ile356Val; replaces isoleucine 356 with valine.
Molecular consequence: missense variant.
Genome position (GRCh38, 1-based): chr11:103,120,513, A>G. VCF-style: chr11-103120513-A-G. GRCh37 (hg19) VCF-style: chr11-102991242-A-G.
Other names: c.1066A>G, p.Ile356Val (NM_001080463.2); short protein forms I356V.
Identifiers: ClinVar variation 2094264 (VCV002094264.4), dbSNP rs2496818248, ClinGen allele CA382250061.